The following is an entry in ClinVar:

ClinVar aggregate classification (germline): Likely benign (1 of 4 stars; one submission).

Conditions:
Hyperphosphatasia with impaired intellectual development syndrome 2. Also called: Hyperphosphatasia with intellectual disability syndrome 2; GLYCOSYLPHOSPHATIDYLINOSITOL BIOSYNTHESIS DEFECT 6. Identifiers: Orphanet 247262, MedGen C3553637, MONDO:0013882, OMIM 614749.

Allele frequency attached by ClinVar (database versions not stated): TOPMed 0.00308; 1000 Genomes Project 30x 0.00375; gnomAD 0.00272 and 0.00295; 1000 Genomes Project 0.00339.

Submission:

Illumina Laboratory Services, Illumina
Classification: Likely benign for Hyperphosphatasia with impaired intellectual development syndrome 2. Last evaluated: 2018-01-12. Review status: criteria provided, single submitter. Criteria: ICSL Variant Classification Criteria 13 December 2019. Collection method: clinical testing. Allele origin: germline.
Comment: This variant was observed in the ICSL laboratory as part of a predisposition screen in an ostensibly healthy population. It had not been previously curated by ICSL or reported in the Human Gene Mutation Database (HGMD: prior to June 1st, 2018), and was therefore a candidate for classification through an automated scoring system. Utilizing variant allele frequency, disease prevalence and penetrance estimates, and inheritance mode, an automated score was calculated to assess if this variant is too frequent to cause the disease. Based on the score and internal cut-off values, a variant classified as likely benign is not then subjected to further curation. The score for this variant resulted in a classification of likely benign for this disease.

NM_032634.4(PIGO):c.-94C>A

Gene: PIGO (phosphatidylinositol glycan anchor biosynthesis class O; minus strand). Cytogenetic location: 9p13.3.
Variant type: single nucleotide variant.
Coding change: c.-94C>A on transcript NM_032634.4 (MANE Select); 94 bases upstream of the start codon, C replaced by A.
Molecular consequence: 5 prime UTR variant. On other transcripts: intron variant (1).
Genome position (GRCh38, 1-based): chr9:35,096,247, G>T on the plus strand (C>A on the coding strand, the complement: PIGO is on the minus strand). VCF-style: chr9-35096247-G-T. GRCh37 (hg19) VCF-style: chr9-35096244-G-T.
Other names: c.-192C>A (NM_001201484.2); c.-2+314C>A (NM_152850.4).
Identifiers: ClinVar variation 366763 (VCV000366763.5), dbSNP rs533921038, ClinGen allele CA10627298.